The following is an entry in ClinVar:

NM_006073.4(TRDN):c.712A>G (p.Lys238Glu)

Gene: TRDN (triadin; minus strand). Cytogenetic location: 6q22.31.
Variant type: single nucleotide variant.
Coding change: c.712A>G on transcript NM_006073.4 (MANE Select); coding-DNA position 712, A replaced by G.
Protein change: p.Lys238Glu; replaces lysine 238 with glutamic acid.
Molecular consequence: missense variant.
Genome position (GRCh38, 1-based): chr6:123,503,800, T>C on the plus strand (A>G on the coding strand, the complement: TRDN is on the minus strand). VCF-style: chr6-123503800-T-C. GRCh37 (hg19) VCF-style: chr6-123824945-T-C.
Other names: c.712A>G, p.Lys238Glu (NM_001251987.2, NM_001256020.2, NM_001256021.2 and 1 more transcripts); short protein forms K238E.
Identifiers: ClinVar variation 2706292 (VCV002706292.3), dbSNP rs2534299723, ClinGen allele CA365567714.

ClinVar aggregate classification (germline): Uncertain significance (1 of 4 stars; one submission).

Conditions:
Catecholaminergic polymorphic ventricular tachycardia 1. Also called: VENTRICULAR TACHYCARDIA, CATECHOLAMINERGIC POLYMORPHIC, 1, WITH OR WITHOUT ATRIAL DYSFUNCTION AND/OR DILATED CARDIOMYOPATHY; VENTRICULAR TACHYCARDIA, STRESS-INDUCED POLYMORPHIC 1; RYR2-Related Catecholaminergic Polymorphic Ventricular Tachycardia. Identifiers: Orphanet 3286, MedGen C1631597, MONDO:0011484, OMIM 604772.

Submission:

Labcorp Genetics (formerly Invitae), Labcorp
Classification: Uncertain significance for Catecholaminergic polymorphic ventricular tachycardia 1. Last evaluated: 2023-12-29. Review status: criteria provided, single submitter. Criteria: Invitae Variant Classification Sherloc (09022015). Collection method: clinical testing. Allele origin: germline.
Comment: This sequence change replaces lysine, which is basic and polar, with glutamic acid, which is acidic and polar, at codon 238 of the TRDN protein (p.Lys238Glu). This variant is not present in population databases (gnomAD no frequency). This variant has not been reported in the literature in individuals affected with TRDN-related conditions. Advanced modeling of protein sequence and biophysical properties (such as structural, functional, and spatial information, amino acid conservation, physicochemical variation, residue mobility, and thermodynamic stability) performed at Invitae indicates that this missense variant is not expected to disrupt TRDN protein function with a negative predictive value of 80%. In summary, the available evidence is currently insufficient to determine the role of this variant in disease. Therefore, it has been classified as a Variant of Uncertain Significance.